The following is an entry in ClinVar:

ClinVar aggregate classification (germline): Uncertain significance (1 of 4 stars; one submission).

Allele frequency attached by ClinVar (database versions not stated): gnomAD exomes below 0.00001.
gnomAD v4.1: 1 of 1,513,126 alleles (0.000066%); highest among the groups gnomAD compares: Non-Finnish European, 0.00009%; no homozygotes.

Submission:

Ambry Genetics
Classification: Uncertain significance. Last evaluated: 2023-09-22. Review status: criteria provided, single submitter. Criteria: Ambry Variant Classification Scheme 2023. Collection method: clinical testing. Allele origin: germline.
Comment: The p.L2190F variant (also known as c.6570A>T), located in coding exon 22 of the POLQ gene, results from an A to T substitution at nucleotide position 6570. The leucine at codon 2190 is replaced by phenylalanine, an amino acid with highly similar properties. This amino acid position is conserved. In addition, this alteration is predicted to be tolerated by in silico analysis. Since supporting evidence is limited at this time, the clinical significance of this alteration remains unclear.

NM_199420.4(POLQ):c.6570A>T (p.Leu2190Phe)

Gene: POLQ (DNA polymerase theta; minus strand). Cytogenetic location: 3q13.33.
Variant type: single nucleotide variant.
Coding change: c.6570A>T on transcript NM_199420.4 (MANE Select); coding-DNA position 6570, A replaced by T.
Protein change: p.Leu2190Phe; replaces leucine 2190 with phenylalanine.
Molecular consequence: missense variant.
Genome position (GRCh38, 1-based): chr3:121,472,138, T>A on the plus strand (A>T on the coding strand, the complement: POLQ is on the minus strand). VCF-style: chr3-121472138-T-A. GRCh37 (hg19) VCF-style: chr3-121190985-T-A.
Other names: short protein forms L2190F.
Identifiers: ClinVar variation 3230109 (VCV003230109.1), dbSNP rs1190298067, ClinGen allele CA354085580.